The following is an entry in ClinVar:

ClinVar aggregate classification (germline): Likely pathogenic (1 of 4 stars; one submission).

Conditions:
Methylcobalamin deficiency type cblG (HMAG). Also called: HOMOCYSTINURIA-MEGALOBLASTIC ANEMIA DUE TO DEFECT IN COBALAMIN METABOLISM, cblG COMPLEMENTATION TYPE; Functional methionine synthase deficiency type cblG; HOMOCYSTINURIA-MEGALOBLASTIC ANEMIA, cblG TYPE; HOMOCYSTINURIA-MEGALOBLASTIC ANEMIA, cblG COMPLEMENTATION TYPE. Identifiers: Orphanet 2170, Orphanet 622, MedGen C1855128, MONDO:0009609, OMIM 250940.

Allele frequency attached by ClinVar (database versions not stated): gnomAD exomes below 0.00001; TOPMed below 0.00001.
gnomAD v4.1: 3 of 1,614,184 alleles (0.00019%); highest among the groups gnomAD compares: Non-Finnish European, 0.00025%; no homozygotes.

Submission:

Labcorp Genetics (formerly Invitae), Labcorp
Classification: Likely pathogenic for Methylcobalamin deficiency type cblG. Last evaluated: 2023-12-04. Review status: criteria provided, single submitter. Criteria: Invitae Variant Classification Sherloc (09022015). Collection method: clinical testing. Allele origin: germline.
Comment: This sequence change replaces asparagine, which is neutral and polar, with aspartic acid, which is acidic and polar, at codon 379 of the MTR protein (p.Asn379Asp). This variant is not present in population databases (gnomAD no frequency). This missense change has been observed in individual(s) with cobalamin G deficiency (Invitae). In at least one individual the data is consistent with being in trans (on the opposite chromosome) from a pathogenic variant. ClinVar contains an entry for this variant (Variation ID: 864093). Advanced modeling of protein sequence and biophysical properties (such as structural, functional, and spatial information, amino acid conservation, physicochemical variation, residue mobility, and thermodynamic stability) performed at Invitae indicates that this missense variant is expected to disrupt MTR protein function with a positive predictive value of 80%. In summary, the currently available evidence indicates that the variant is pathogenic, but additional data are needed to prove that conclusively. Therefore, this variant has been classified as Likely Pathogenic.

NM_000254.3(MTR):c.1135A>G (p.Asn379Asp)

Gene: MTR (5-methyltetrahydrofolate-homocysteine methyltransferase; plus strand). Cytogenetic location: 1q43.
Variant type: single nucleotide variant.
Coding change: c.1135A>G on transcript NM_000254.3 (MANE Select); coding-DNA position 1135, A replaced by G.
Protein change: p.Asn379Asp; replaces asparagine 379 with aspartic acid.
Molecular consequence: missense variant. On other transcripts: intron variant (1).
Genome position (GRCh38, 1-based): chr1:236,832,025, A>G. VCF-style: chr1-236832025-A-G. GRCh37 (hg19) VCF-style: chr1-236995325-A-G.
Other names: c.1135A>G, p.Asn379Asp (NM_001291939.1); c.-34+2757A>G (NM_001291940.2); short protein forms N379D.
Identifiers: ClinVar variation 864093 (VCV000864093.9), dbSNP rs1662641467, ClinGen allele CA345392870.